The following is an entry in ClinVar:

ClinVar aggregate classification (germline): Uncertain significance (1 of 4 stars; one submission).

Conditions:
Autosomal recessive limb-girdle muscular dystrophy type 2J (LGMDR10). Also called: Limb-girdle muscular dystrophy, type 2J; MUSCULAR DYSTROPHY, LIMB-GIRDLE, AUTOSOMAL RECESSIVE 10. Identifiers: Orphanet 140922, MedGen C1837342, MONDO:0012127, OMIM 608807.
Dilated cardiomyopathy 1G (CMD1G). Identifiers: Orphanet 154, MedGen C1858763, MONDO:0011400, OMIM 604145.

Submission:

Labcorp Genetics (formerly Invitae), Labcorp
Classification: Uncertain significance for Dilated cardiomyopathy 1G; Autosomal recessive limb-girdle muscular dystrophy type 2J. Last evaluated: 2025-09-21. Review status: criteria provided, single submitter. Criteria: Invitae Variant Classification Sherloc (09022015). Collection method: clinical testing. Allele origin: germline.
Comment: This sequence change replaces arginine, which is basic and polar, with tryptophan, which is neutral and slightly polar, at codon 34457 of the TTN protein (p.Arg34457Trp). This variant is not present in population databases (gnomAD no frequency). This variant has not been reported in the literature in individuals affected with TTN-related conditions. Experimental studies and prediction algorithms are not available or were not evaluated, and the functional significance of this variant is currently unknown. This variant is located in the M band of TTN (PMID: 25589632). Non-truncating variants in this region may be relevant for neuromuscular disorders, but have not been definitively shown to cause cardiomyopathy (PMID: 23975875). In summary, the available evidence is currently insufficient to determine the role of this variant in disease. Therefore, it has been classified as a Variant of Uncertain Significance.

Literature cited by the submitters: PubMed 25589632; PubMed 23975875.

NM_001267550.2(TTN):c.103369A>T (p.Arg34457Trp)

Genes: TTN-AS1 (TTN antisense RNA 1; plus strand), TTN (titin; minus strand). Cytogenetic location: 2q31.2.
Variant type: single nucleotide variant.
Coding change: c.103369A>T on transcript NM_001267550.2 (MANE Select); coding-DNA position 103369, A replaced by T.
Protein change: p.Arg34457Trp; replaces arginine 34457 with tryptophan.
Molecular consequence: missense variant.
Genome position (GRCh38, 1-based): chr2:178,533,246, T>A on the plus strand (A>T on the coding strand, the complement: TTN is on the minus strand). VCF-style: chr2-178533246-T-A. GRCh37 (hg19) VCF-style: chr2-179397973-T-A.
Other names: c.98446A>T, p.Arg32816Trp (NM_001256850.1); c.76174A>T, p.Arg25392Trp (NM_003319.4); c.95665A>T, p.Arg31889Trp (NM_133378.4); c.76549A>T, p.Arg25517Trp (NM_133432.3); c.76750A>T, p.Arg25584Trp (NM_133437.4); short protein forms R31889W, R25584W, R32816W, R25392W, R25517W, R34457W.
Identifiers: ClinVar variation 4786117 (VCV004786117.1).